The following is an entry in ClinVar:

ClinVar aggregate classification (germline): Benign (0 of 4 stars; one submission).

Conditions:
DCHS2-related disorder. Also called: DCHS2-related condition.

Allele frequency attached by ClinVar (database versions not stated): gnomAD exomes 0.16839; gnomAD 0.16949; TOPMed 0.17100; ExAC 0.17225; 1000 Genomes Project 0.17232; 1000 Genomes Project 30x 0.17239; ESP Exome Variant Server 0.17861.
gnomAD v4.1: 272,532 of 1,613,944 alleles (17%); highest among the groups gnomAD compares: Middle Eastern, 23%; 23,798 homozygotes.

Submission:

PreventionGenetics, part of Exact Sciences
Classification: Benign for DCHS2-related condition. Last evaluated: 2019-11-08. Review status: no assertion criteria provided. Collection method: clinical testing. Allele origin: germline.
Comment: This variant is classified as benign based on ACMG/AMP sequence variant interpretation guidelines (Richards et al. 2015 PMID: 25741868, with internal and published modifications).

NM_001358235.2(DCHS2):c.6105T>C (p.Asp2035=)

Genes: DCHS2 (dachsous cadherin-related 2; minus strand), DCHS2-AS1 (DCHS2 antisense RNA 1; plus strand). Cytogenetic location: 4q31.3.
Variant type: single nucleotide variant.
Coding change: c.6105T>C on transcript NM_001358235.2 (MANE Select); coding-DNA position 6105, T replaced by C.
Protein change: p.Asp2035=; no amino-acid change (aspartic acid 2035 retained).
Molecular consequence: synonymous variant.
Genome position (GRCh38, 1-based): chr4:154,298,209, A>G on the plus strand (T>C on the coding strand, the complement: DCHS2 is on the minus strand). VCF-style: chr4-154298209-A-G. GRCh37 (hg19) VCF-style: chr4-155219361-A-G.
Identifiers: ClinVar variation 3056762 (VCV003056762.2), dbSNP rs17031387, ClinGen allele CA3112504.